The following is an entry in ClinVar:

ClinVar aggregate classification (germline): Benign (1 of 4 stars; one submission).

Conditions:
Mendelian susceptibility to mycobacterial diseases due to partial STAT1 deficiency. Also called: IMMUNODEFICIENCY 31A, MYCOBACTERIOSIS, AUTOSOMAL DOMINANT; STAT1 DEFICIENCY, AUTOSOMAL DOMINANT; Immunodeficiency 31a. Identifiers: Orphanet 319595, MedGen C4013950, MONDO:0013956, OMIM 614892.

Allele frequency attached by ClinVar (database versions not stated): TOPMed 0.00412; gnomAD 0.00420 and 0.00411; gnomAD exomes 0.00532; 1000 Genomes Project 30x 0.00172; 1000 Genomes Project 0.00260.
gnomAD v4.1: 685 of 165,426 alleles (0.41%); highest among the groups gnomAD compares: Non-Finnish European, 0.72%; no homozygotes.

Submission:

Illumina Laboratory Services, Illumina
Classification: Benign for Mendelian susceptibility to mycobacterial diseases due to partial STAT1 deficiency. Last evaluated: 2018-01-13. Review status: criteria provided, single submitter. Criteria: ICSL Variant Classification Criteria 13 December 2019. Collection method: clinical testing. Allele origin: germline.
Comment: This variant was observed in the ICSL laboratory as part of a predisposition screen in an ostensibly healthy population. It had not been previously curated by ICSL or reported in the Human Gene Mutation Database (HGMD: prior to June 1st, 2018), and was therefore a candidate for classification through an automated scoring system. Utilizing variant allele frequency, disease prevalence and penetrance estimates, and inheritance mode, an automated score was calculated to assess if this variant is too frequent to cause the disease. Based on the score and internal cut-off values, a variant classified as benign is not then subjected to further curation. The score for this variant resulted in a classification of benign for this disease.

NM_007315.4(STAT1):c.-213C>T

Genes: STAT1 (signal transducer and activator of transcription 1; minus strand), LOC129935278 (ATAC-STARR-seq lymphoblastoid silent region 12191; plus strand). Cytogenetic location: 2q32.2.
Variant type: single nucleotide variant.
Coding change: c.-213C>T on transcript NM_007315.4 (MANE Select); 213 bases upstream of the start codon, C replaced by T.
Molecular consequence: 5 prime UTR variant.
Genome position (GRCh38, 1-based): chr2:191,014,075, G>A on the plus strand (C>T on the coding strand, the complement: STAT1 is on the minus strand). VCF-style: chr2-191014075-G-A. GRCh37 (hg19) VCF-style: chr2-191878801-G-A.
Other names: c.-213C>T (NM_001384880.1, NM_001384882.1, NM_001384883.1 and 8 more transcripts); c.-290C>T (NM_001384881.1, NM_001384884.1).
Identifiers: ClinVar variation 333296 (VCV000333296.5), dbSNP rs147950001, ClinGen allele CA10613629.